The following is an entry in ClinVar:

NM_000465.4(BARD1):c.325A>C (p.Ser109Arg)

Gene: BARD1 (BRCA1 associated RING domain 1; minus strand). Cytogenetic location: 2q35.
Variant type: single nucleotide variant.
Coding change: c.325A>C on transcript NM_000465.4 (MANE Select); coding-DNA position 325, A replaced by C.
Protein change: p.Ser109Arg; replaces serine 109 with arginine.
Molecular consequence: missense variant. On other transcripts: non-coding transcript variant (1), intron variant (2).
Genome position (GRCh38, 1-based): chr2:214,792,336, T>G on the plus strand (A>C on the coding strand, the complement: BARD1 is on the minus strand). VCF-style: chr2-214792336-T-G. GRCh37 (hg19) VCF-style: chr2-215657060-T-G.
Other names: c.268A>C, p.Ser90Arg (NM_001282543.2); c.325A>C, p.Ser109Arg (NM_001282549.2); c.158+17076A>C (NM_001282548.2); c.215+4725A>C (NM_001282545.2); short protein forms S109R, S90R.
Identifiers: ClinVar variation 406777 (VCV000406777.21), dbSNP rs764746353, ClinGen allele CA2090454.

ClinVar aggregate classification (germline): Uncertain significance. Review status: criteria provided, multiple submitters, no conflicts (2 of 4 stars). 4 submissions from 4 submitters: Uncertain significance (4). Last evaluated 2025-11-14.

Conditions:
Hereditary cancer-predisposing syndrome. Also called: Hereditary Cancer Syndrome; Hereditary neoplastic syndrome; Neoplastic Syndromes, Hereditary; Tumor predisposition. Identifiers: Orphanet 140162, MedGen C0027672, MeSH D009386, MONDO:0015356.
Familial cancer of breast. Also called: BREAST CANCER, FAMILIAL; Hereditary breast cancer; hereditary breast carcinoma. Identifiers: Orphanet 227535, MedGen C0346153, MONDO:0016419, OMIM 114480. Disease mechanism: loss of function.

Allele frequency attached by ClinVar (database versions not stated): TOPMed below 0.00001; ExAC 0.00001; gnomAD 0.00001.
gnomAD v4.1: 5 of 1,613,338 alleles (0.00031%); highest among the groups gnomAD compares: Non-Finnish European, 0.00042%; no homozygotes.

Submissions (4):

Labcorp Genetics (formerly Invitae), Labcorp
Classification: Uncertain significance for Familial cancer of breast. Last evaluated: 2025-11-14. Review status: criteria provided, single submitter. Criteria: Invitae Variant Classification Sherloc (09022015). Collection method: clinical testing. Allele origin: germline.
Comment: This sequence change replaces serine, which is neutral and polar, with arginine, which is basic and polar, at codon 109 of the BARD1 protein (p.Ser109Arg). This variant is present in population databases (rs764746353, gnomAD 0.0009%). This variant has not been reported in the literature in individuals affected with BARD1-related conditions. ClinVar contains an entry for this variant (Variation ID: 406777). An algorithm developed to predict the effect of missense changes on protein structure and function outputs the following: PolyPhen-2: "Benign". The arginine amino acid residue is found in multiple mammalian species, which suggests that this missense change does not adversely affect protein function. In summary, the available evidence is currently insufficient to determine the role of this variant in disease. Therefore, it has been classified as a Variant of Uncertain Significance.

Ambry Genetics
Classification: Uncertain significance for Hereditary cancer-predisposing syndrome. Last evaluated: 2025-03-14. Review status: criteria provided, single submitter. Criteria: Ambry Variant Classification Scheme 2023. Collection method: clinical testing. Allele origin: germline.
Comment: The p.S109R variant (also known as c.325A>C), located in coding exon 3 of the BARD1 gene, results from an A to C substitution at nucleotide position 325. The serine at codon 109 is replaced by arginine, an amino acid with dissimilar properties. This nucleotide position is well conserved in available vertebrate species. This amino acid position is well conserved in available vertebrate species. In addition, this alteration is predicted to be tolerated by in silico analysis. Since supporting evidence is limited at this time, the clinical significance of this alteration remains unclear.

Color Diagnostics, LLC DBA Color Health
Classification: Uncertain significance for Hereditary cancer-predisposing syndrome. Last evaluated: 2023-12-05. Review status: criteria provided, single submitter. Criteria: ACMG Guidelines, 2015. Collection method: clinical testing. Allele origin: germline.
Comment: This missense variant replaces serine with arginine at codon 109 of the BARD1 protein. Computational prediction suggests that this variant may not impact protein structure and function (internally defined REVEL score threshold <= 0.5, PMID: 27666373). To our knowledge, functional studies have not been reported for this variant. This variant has not been reported in individuals affected with BARD1-related disorders in the literature. This variant has not been identified in the general population by the Genome Aggregation Database (gnomAD). The available evidence is insufficient to determine the role of this variant in disease conclusively. Therefore, this variant is classified as a Variant of Uncertain Significance.

Baylor Genetics
Classification: Uncertain significance for Familial cancer of breast. Last evaluated: 2023-09-02. Review status: criteria provided, single submitter. Criteria: ACMG Guidelines, 2015. Collection method: clinical testing. Allele origin: unknown.